The following is an entry in ClinVar:

ClinVar aggregate classification (germline): Conflicting classifications of pathogenicity. Review status: criteria provided, conflicting classifications (1 of 4 stars). 3 submissions from 2 submitters: Uncertain significance (1); Likely benign (2). Last evaluated 2025-02-23.

Conditions:
Liddle syndrome 2. Identifiers: MedGen C4748251, MONDO:0020854, OMIM 618114.
Pseudohypoaldosteronism, type IB1, autosomal recessive. Also called: Pseudohypoaldosteronism, Type I, Autosomal Recessive; PHA I, AUTOSOMAL RECESSIVE; Autosomal recessive pseudohypoaldosteronism type 1; Pseudohypoaldosteronism, Type I, Recessive. Identifiers: Orphanet 171876, Orphanet 756, MedGen C5774176, MONDO:0009917, OMIM 264350.

Allele frequency attached by ClinVar (database versions not stated): ExAC 0.00005; gnomAD 0.00005; TOPMed 0.00008; gnomAD exomes 0.00009.

Submissions (3):

Labcorp Genetics (formerly Invitae), Labcorp
Classification: Likely benign. Last evaluated: 2025-02-23. Review status: criteria provided, single submitter. Criteria: Invitae Variant Classification Sherloc (09022015). Collection method: clinical testing. Allele origin: germline.

Illumina Laboratory Services, Illumina
Classification: Likely benign for Liddle syndrome 2. Last evaluated: 2018-01-12. Review status: criteria provided, single submitter. Criteria: ICSL Variant Classification Criteria 13 December 2019. Collection method: clinical testing. Allele origin: germline.
Comment: This variant was observed in the ICSL laboratory as part of a predisposition screen in an ostensibly healthy population. It had not been previously curated by ICSL or reported in the Human Gene Mutation Database (HGMD: prior to June 1st, 2018), and was therefore a candidate for classification through an automated scoring system. Utilizing variant allele frequency, disease prevalence and penetrance estimates, and inheritance mode, an automated score was calculated to assess if this variant is too frequent to cause the disease. Based on the score and internal cut-off values, a variant classified as likely benign is not then subjected to further curation. The score for this variant resulted in a classification of likely benign for this disease.

Illumina Laboratory Services, Illumina
Classification: Uncertain significance for Pseudohypoaldosteronism, type IB1, autosomal recessive. Last evaluated: 2018-01-12. Review status: criteria provided, single submitter. Criteria: ICSL Variant Classification Criteria 13 December 2019. Collection method: clinical testing. Allele origin: germline.

NM_001039.4(SCNN1G):c.132C>T (p.Ile44=)

Gene: SCNN1G (sodium channel epithelial 1 subunit gamma; plus strand). Cytogenetic location: 16p12.2.
Variant type: single nucleotide variant.
Coding change: c.132C>T on transcript NM_001039.4 (MANE Select); coding-DNA position 132, C replaced by T.
Protein change: p.Ile44=; no amino-acid change (isoleucine 44 retained).
Molecular consequence: synonymous variant.
Genome position (GRCh38, 1-based): chr16:23,186,403, C>T. VCF-style: chr16-23186403-C-T. GRCh37 (hg19) VCF-style: chr16-23197724-C-T.
Identifiers: ClinVar variation 886034 (VCV000886034.7), dbSNP rs774767092, ClinGen allele CA7959489.